The following is an entry in ClinVar:

ClinVar aggregate classification (germline): Uncertain significance. Review status: reviewed by expert panel (3 of 4 stars). 2 submissions from 2 submitters: Uncertain significance (1). 1 of the submissions does not count toward it. Last evaluated 2024-09-16.

Conditions:
RUNX1-related disorder. Also called: RUNX1-related condition.
Hereditary thrombocytopenia and hematologic cancer predisposition syndrome. Identifiers: Orphanet 71290, MedGen CN281654, MONDO:0011071.

Submissions (2):

ClinGen Myeloid Malignancy Variant Curation Expert Panel
Classification: Uncertain significance for Hereditary thrombocytopenia and hematologic cancer predisposition syndrome. Last evaluated: 2024-09-16. Review status: reviewed by expert panel. Criteria: ClinGen MyeloMalig ACMG Specifications v2. Collection method: curation. Allele origin: germline. Inheritance: Autosomal dominant inheritance.
Comment: NM_001754.5(RUNX1):c.482T>A (p.Leu161His) is a missense variant which has a REVEL score ≥ 0.88 (0.981) (PP3). This missense variant is located within the Runt Homology Domain (AA 89-204), but does not occur in an established hotspot residue (PM1_supporting). This variant is completely absent from all population databases with at least 20x coverage for RUNX1 (PM2_supporting). In summary, the clinical significance of this variant is uncertain. ACMG/AMP criteria applied, as specified by the Myeloid Malignancy Variant Curation Expert Panel for RUNX1: PM1_supporting, PM2_supporting, PP3.

PreventionGenetics, part of Exact Sciences
Classification: Uncertain significance for RUNX1-related condition. Last evaluated: 2022-10-24. Review status: criteria provided, single submitter. Criteria: ACMG Guidelines, 2015. Collection method: clinical testing. Allele origin: germline. Not counted in ClinVar's aggregate classification.
Comment: The RUNX1 c.482T>A variant is predicted to result in the amino acid substitution p.Leu161His. To our knowledge, this variant has not been reported in the literature or in a large population database, indicating this variant is rare. At this time, the clinical significance of this variant is uncertain due to the absence of conclusive functional and genetic evidence.

NM_001754.5(RUNX1):c.482T>A (p.Leu161His)

Genes: RUNX1 (RUNX family transcription factor 1; minus strand), RUNX1-AS1 (RUNX1 antisense RNA 1; plus strand). Cytogenetic location: 21q22.12.
Variant type: single nucleotide variant.
Coding change: c.482T>A on transcript NM_001754.5 (MANE Select); coding-DNA position 482, T replaced by A.
Protein change: p.Leu161His; replaces leucine 161 with histidine.
Molecular consequence: missense variant.
Genome position (GRCh38, 1-based): chr21:34,880,583, A>T on the plus strand (T>A on the coding strand, the complement: RUNX1 is on the minus strand). VCF-style: chr21-34880583-A-T. GRCh37 (hg19) VCF-style: chr21-36252880-A-T.
Other names: NM_001754.5(RUNX1):c.482T>A; p.Leu161His; c.401T>A, p.Leu134His (NM_001001890.3, NM_001122607.2); short protein forms L134H, L161H.
Identifiers: ClinVar variation 2637205 (VCV002637205.2), dbSNP rs2057885248, ClinGen allele CA410202515.